The following is an entry in ClinVar:

NM_005732.4(RAD50):c.2231A>G (p.Glu744Gly)

Gene: RAD50 (RAD50 double strand break repair protein; plus strand). Cytogenetic location: 5q31.1.
Variant type: single nucleotide variant.
Coding change: c.2231A>G on transcript NM_005732.4 (MANE Select); coding-DNA position 2231, A replaced by G.
Protein change: p.Glu744Gly; replaces glutamic acid 744 with glycine.
Molecular consequence: missense variant.
Genome position (GRCh38, 1-based): chr5:132,603,323, A>G. VCF-style: chr5-132603323-A-G. GRCh37 (hg19) VCF-style: chr5-131939015-A-G.
Other names: short protein forms E744G.
Identifiers: ClinVar variation 1446562 (VCV001446562.6), dbSNP rs2149846866, ClinGen allele CA360953848.

ClinVar aggregate classification (germline): Uncertain significance (1 of 4 stars; one submission).

Conditions:
Hereditary cancer-predisposing syndrome. Also called: Hereditary Cancer Syndrome; Hereditary neoplastic syndrome; Neoplastic Syndromes, Hereditary; Tumor predisposition. Identifiers: Orphanet 140162, MedGen C0027672, MeSH D009386, MONDO:0015356.

Submission:

Labcorp Genetics (formerly Invitae), Labcorp
Classification: Uncertain significance for Hereditary cancer-predisposing syndrome. Last evaluated: 2022-10-04. Review status: criteria provided, single submitter. Criteria: Invitae Variant Classification Sherloc (09022015). Collection method: clinical testing. Allele origin: germline.
Comment: In summary, the available evidence is currently insufficient to determine the role of this variant in disease. Therefore, it has been classified as a Variant of Uncertain Significance. Algorithms developed to predict the effect of missense changes on protein structure and function (SIFT, PolyPhen-2, Align-GVGD) all suggest that this variant is likely to be tolerated. ClinVar contains an entry for this variant (Variation ID: 1446562). This variant has not been reported in the literature in individuals affected with RAD50-related conditions. This variant is not present in population databases (gnomAD no frequency). This sequence change replaces glutamic acid, which is acidic and polar, with glycine, which is neutral and non-polar, at codon 744 of the RAD50 protein (p.Glu744Gly).